The following is an entry in ClinVar:

NM_024757.5(EHMT1):c.2537C>A (p.Ala846Asp)

Gene: EHMT1 (euchromatic histone lysine methyltransferase 1; plus strand). Cytogenetic location: 9q34.3.
Variant type: single nucleotide variant.
Coding change: c.2537C>A on transcript NM_024757.5 (MANE Select); coding-DNA position 2537, C replaced by A.
Protein change: p.Ala846Asp; replaces alanine 846 with aspartic acid.
Molecular consequence: missense variant.
Genome position (GRCh38, 1-based): chr9:137,798,844, C>A. VCF-style: chr9-137798844-C-A. GRCh37 (hg19) VCF-style: chr9-140693296-C-A.
Other names: c.2516C>A, p.Ala839Asp (NM_001354263.2); short protein forms A839D, A846D.
Identifiers: ClinVar variation 4086085 (VCV004086085.1).

ClinVar aggregate classification (germline): Pathogenic (1 of 4 stars; one submission).

Conditions:
Kleefstra syndrome 1 (KLEFS1). Identifiers: Orphanet 261494, MedGen C0795833, MONDO:0027407, OMIM 610253.

Submission:

Institute of Human Genetics, FAU Erlangen, Friedrich-Alexander-Universität Erlangen-Nürnberg
Classification: Pathogenic for Kleefstra syndrome 1. Last evaluated: 2025-09-19. Review status: criteria provided, single submitter. Criteria: Hauer et al. (Genet Med. 2018). Collection method: clinical testing. Allele origin: germline. Inheritance: Autosomal dominant inheritance. Affected: yes. Observed: 1 variant allele.
Comment: This variant has been identified by standard clinical testing. PP3-strong, PM2-supporting, PS2-strong, PM1-moderate Selected ACMG criteria: Not enough evidence:PM1